The following is an entry in ClinVar:

NM_000166.6(GJB1):c.541G>A (p.Val181Met)

Gene: GJB1 (gap junction protein beta 1; plus strand). Cytogenetic location: Xq13.1.
Variant type: single nucleotide variant.
Coding change: c.541G>A on transcript NM_000166.6 (MANE Select); coding-DNA position 541, G replaced by A.
Protein change: p.Val181Met; replaces valine 181 with methionine.
Molecular consequence: missense variant.
Genome position (GRCh38, 1-based): chrX:71,224,248, G>A. VCF-style: chrX-71224248-G-A. GRCh37 (hg19) VCF-style: chrX-70444098-G-A.
Other names: c.541G>A, p.Val181Met (NM_001097642.3); short protein forms V181M.
Identifiers: ClinVar variation 245705 (VCV000245705.20), dbSNP rs879253909, ClinGen allele CA10584643.

ClinVar aggregate classification (germline): Pathogenic/Likely pathogenic. Review status: criteria provided, multiple submitters, no conflicts (2 of 4 stars). 9 submissions from 9 submitters: Pathogenic (5); Likely pathogenic (3). 1 of the submissions does not count toward it. Last evaluated 2025-10-23.

Conditions:
Inborn genetic diseases. Identifiers: MedGen C0950123, MeSH D030342.
GJB1-related disorder. Also called: GJB1-related condition; GJB1-related disorders.
Charcot-Marie-Tooth Neuropathy X. Identifiers: MedGen CN118851.
Charcot-Marie-Tooth disease. Also called: Charcot-Marie-Tooth Neuropathy; Charcot-Marie-Tooth Hereditary Neuropathy. Identifiers: Orphanet 166, MedGen C0007959, MONDO:0015626.
Charcot-Marie-Tooth disease X-linked dominant 1. Also called: HEREDITARY MOTOR AND SENSORY NEUROPATHY, X-LINKED; HMSN, X-LINKED; Charcot-Marie-Tooth Neuropathy X Type 1; X-linked Charcot-Marie-Tooth disease type 1; GJB1 Disorders: Charcot-Marie-Tooth Neuropathy (CMT1X) and Central Nervous System Phenotypes; CHARCOT-MARIE-TOOTH NEUROPATHY, X-LINKED, 1. Identifiers: Orphanet 101075, MedGen C0393808, MONDO:0010549, OMIM 302800.

Submissions (9):

Mayo Clinic Laboratories, Mayo Clinic
Classification: Likely pathogenic. Last evaluated: 2025-10-23. Review status: criteria provided, single submitter. Criteria: ACMG Guidelines, 2015. Collection method: clinical testing. Allele origin: germline. Observed: 2 variant alleles.
Comment: PP3_moderate, PP4, PM1, PM2_supporting, PS4_moderate

Athena Diagnostics
Classification: Pathogenic. Last evaluated: 2025-09-17. Review status: criteria provided, single submitter. Criteria: Athena Diagnostics Criteria. Collection method: clinical testing. Allele origin: unknown.
Comment: This variant has not been reported in large, multi-ethnic general populations. This variant has been identified in multiple unrelated individuals with clinical features associated with this gene. Polyphen and MutationTaster predict this amino acid change may be damaging to the protein. The variant is located in a region that is considered important for protein function and/or structure. At least one other missense variant at this codon is considered to be pathogenic or likely pathogenic, suggesting this variant may also cause disease.

Ambry Genetics
Classification: Likely pathogenic for Inborn genetic diseases. Last evaluated: 2025-09-02. Review status: criteria provided, single submitter. Criteria: Ambry Variant Classification Scheme 2023. Collection method: clinical testing. Allele origin: germline.
Comment: The c.541G>A (p.V181M) alteration is located in exon 2 (coding exon 1) of the GJB1 gene. This alteration results from a G to A substitution at nucleotide position 541, causing the valine (V) at amino acid position 181 to be replaced by a methionine (M). This variant was not reported in population-based cohorts in the Genome Aggregation Database (gnomAD). This variant was reported in individual(s) with features consistent with GJB1-related Charcot-Marie-Tooth disease (Casasnovas, 2006; Siskind, 2011; Boentert, 2014; Mones, 2015; Chen, 2019; Record, 2023). This amino acid position is not well conserved in available vertebrate species. This alteration is predicted to be deleterious by in silico analysis. Based on the available evidence, this alteration is classified as likely pathogenic.

Labcorp Genetics (formerly Invitae), Labcorp
Classification: Pathogenic for Charcot-Marie-Tooth Neuropathy X. Last evaluated: 2025-08-11. Review status: criteria provided, single submitter. Criteria: Invitae Variant Classification Sherloc (09022015). Collection method: clinical testing. Allele origin: germline.
Comment: This sequence change replaces valine, which is neutral and non-polar, with methionine, which is neutral and non-polar, at codon 181 of the GJB1 protein (p.Val181Met). This variant is not present in population databases (gnomAD no frequency). This missense change has been observed in individuals with Charcot-Marie-Tooth disease (PMID: 9361298, 17100997, 19259128, 21692908, 25947624). ClinVar contains an entry for this variant (Variation ID: 245705). Invitae Evidence Modeling of protein sequence and biophysical properties (such as structural, functional, and spatial information, amino acid conservation, physicochemical variation, residue mobility, and thermodynamic stability) has been performed for this missense variant. However, the output from this modeling did not meet the statistical confidence thresholds required to predict the impact of this variant on GJB1 protein function. This variant disrupts the p.Val181 amino acid residue in GJB1. Other variant(s) that disrupt this residue have been observed in individuals with GJB1-related conditions (PMID: 14627639, 18380028), which suggests that this may be a clinically significant amino acid residue. For these reasons, this variant has been classified as Pathogenic.

GeneDx
Classification: Pathogenic. Last evaluated: 2025-07-30. Review status: criteria provided, single submitter. Criteria: GeneDx Variant Classification Process June 2021. Collection method: clinical testing. Allele origin: germline. Affected: yes.
Comment: Not observed at significant frequency in large population cohorts (gnomAD); Missense variants in this gene are a common cause of disease and they are underrepresented in the general population; In silico analysis suggests that this missense variant does not alter protein structure/function; This variant is associated with the following publications: (PMID: 9361298, 17100997, 31372974, 19259128, 21692908, 25947624, 28071741, 32903794, 33136338, 37284795)

Institute of Medical Genetics and Applied Genomics, University Hospital Tübingen
Classification: Pathogenic for Charcot-Marie-Tooth disease X-linked dominant 1. Last evaluated: 2024-08-06. Review status: criteria provided, single submitter. Criteria: ACMG Guidelines, 2015. Collection method: clinical testing. Allele origin: germline. Inheritance: X-linked dominant inheritance. Affected: yes.

Genetics and Molecular Pathology, SA Pathology
Classification: Pathogenic for Charcot-Marie-Tooth disease X-linked dominant 1. Last evaluated: 2022-05-24. Review status: criteria provided, single submitter. Criteria: ACMG Guidelines, 2015. Collection method: clinical testing. Allele origin: germline. Inheritance: X-linked dominant inheritance. Affected: yes.
Comment: The GJB1 c.541G>A variant is classified as a LIKLEY PATHOGENIC VARIANT (PM2, PP2, PP3, PS4_S, PM1_S, PM5_S) This variant is a single nucleotide change in exon 2/2 of the GJB1 gene, which is predicted to change the amino acid valine at position 181 in the protein to methionine. The variant is located in a mutational hot spot (PM1_S). Missense variant in the GJB1 gene are a common mechanism of disease, and has a low rate of benign missense variation (PP2). This variant is at an amino acid residue where several different missense changes determined to be pathogenic have been reported previously (PM5_S). The variant has been reported in dbSNP (rs879253909) but is absent from population databases (PM2). The variant has been repored in ClinVar (VariationID: #245705) and HGMD (Accession: CM973178) as pathogenic/ disease causing variant (PS4_S). Computational predictions support a deleterious effect on the gene or gene product (PP3).

Blueprint Genetics
Classification: Likely pathogenic for GJB1-related disorders. Last evaluated: 2019-02-15. Review status: criteria provided, single submitter. Criteria: ACMG Guidelines, 2015. Collection method: clinical testing. Allele origin: germline. Affected: yes. Observed: 1 variant allele.

Inherited Neuropathy Consortium
Classification: Uncertain significance for Charcot-Marie-Tooth disease. Review status: no assertion criteria provided. Collection method: literature only. Allele origin: germline. Affected: yes. Not counted in ClinVar's aggregate classification.

Literature cited by the submitters: PubMed 17100997 (cited by 5 submitters); PubMed 19259128 (cited by 3 submitters); PubMed 21692908 (cited by 4 submitters); PubMed 23704315 (cited by Mayo Clinic Laboratories, Mayo Clinic and Ambry Genetics); PubMed 25947624 (cited by 4 submitters); PubMed 28071741 (cited by Mayo Clinic Laboratories, Mayo Clinic and Athena Diagnostics); PubMed 33136338 (cited by Mayo Clinic Laboratories, Mayo Clinic); PubMed 37284795 (cited by 3 submitters); PubMed 9361298 (cited by Mayo Clinic Laboratories, Mayo Clinic and Labcorp Genetics (formerly Invitae), Labcorp); PubMed 17353473 (cited by Athena Diagnostics); PubMed 31372974 (cited by Athena Diagnostics and Ambry Genetics); PubMed 14627639 (cited by Labcorp Genetics (formerly Invitae), Labcorp); PubMed 18380028 (cited by Labcorp Genetics (formerly Invitae), Labcorp).